The following is an entry in ClinVar:

ClinVar aggregate classification (germline): Uncertain significance (1 of 4 stars; one submission).

Conditions:
Medulloblastoma (MDB). Also called: Medulloblastoma, somatic; MEDULLOBLASTOMA PREDISPOSITION SYNDROME. Identifiers: Orphanet 616, MedGen C0025149, MeSH D008527, MONDO:0007959, OMIM 155255, HP:0002885.

gnomAD v4.1: 1 of 1,608,750 alleles (0.000062%); highest among the groups gnomAD compares: South Asian, 0.0011%; no homozygotes.

Submission:

St. Jude Molecular Pathology, St. Jude Children's Research Hospital
Classification: Uncertain significance for Medulloblastoma. Last evaluated: 2022-08-30. Review status: criteria provided, single submitter. Criteria: St. Jude Assertion Criteria 2020. Collection method: clinical testing. Allele origin: germline.
Comment: The ELP1 c.2129A>G (p.Gln710Arg) missense change has a maximum subpopulation frequency of 0.0033% in gnomAD v2.1.1. The in silico tool REVEL is inconclusive about a pathogenic or benign effect of this variant on protein function, and to our knowledge functional studies have not been performed. To our knowledge, this variant has not been reported in individuals with a personal or family history of medulloblastoma. In summary, the evidence currently available is insufficient to determine the clinical significance of this variant. It has therefore been classified as of uncertain significance.

NM_003640.5(ELP1):c.2129A>G (p.Gln710Arg)

Gene: ELP1 (elongator acetyltransferase complex subunit 1; minus strand). Cytogenetic location: 9q31.3.
Variant type: single nucleotide variant.
Coding change: c.2129A>G on transcript NM_003640.5 (MANE Select); coding-DNA position 2129, A replaced by G.
Protein change: p.Gln710Arg; replaces glutamine 710 with arginine.
Molecular consequence: missense variant.
Genome position (GRCh38, 1-based): chr9:108,900,261, T>C on the plus strand (A>G on the coding strand, the complement: ELP1 is on the minus strand). VCF-style: chr9-108900261-T-C. GRCh37 (hg19) VCF-style: chr9-111662541-T-C.
Other names: c.1787A>G, p.Gln596Arg (NM_001318360.2); c.1082A>G, p.Gln361Arg (NM_001330749.2); short protein forms Q361R, Q596R, Q710R.
Identifiers: ClinVar variation 1710937 (VCV001710937.1), dbSNP rs1275065654, ClinGen allele CA374423300.